The following is an entry in ClinVar:

ClinVar aggregate classification (germline): Pathogenic/Likely pathogenic. Review status: criteria provided, multiple submitters, no conflicts (2 of 4 stars). 2 submissions from 2 submitters: Pathogenic (1); Likely pathogenic (1). Last evaluated 2023-12-18.

Conditions:
Xeroderma pigmentosum variant type. Also called: POLH-Related Xeroderma Pigmentosum; PHOTOSENSITIVITY WITH DEFECTIVE DNA SYNTHESIS; XERODERMA PIGMENTOSUM WITH NORMAL DNA REPAIR RATES. Identifiers: Orphanet 90342, MedGen C1848410, MONDO:0010214, OMIM 278750.

Allele frequency attached by ClinVar (database versions not stated): TOPMed 0.00001; gnomAD exomes 0.00002; ExAC 0.00003.

Submissions (2):

Labcorp Genetics (formerly Invitae), Labcorp
Classification: Pathogenic. Last evaluated: 2023-12-18. Review status: criteria provided, single submitter. Criteria: Invitae Variant Classification Sherloc (09022015). Collection method: clinical testing. Allele origin: germline.
Comment: This sequence change creates a premature translational stop signal (p.Ser51Glufs*3) in the POLH gene. It is expected to result in an absent or disrupted protein product. Loss-of-function variants in POLH are known to be pathogenic (PMID: 11773631, 24130121, 25256075). This variant is present in population databases (rs752080248, gnomAD 0.004%). This premature translational stop signal has been observed in individual(s) with xeroderma pigmentosum (PMID: 18368133). ClinVar contains an entry for this variant (Variation ID: 631984). For these reasons, this variant has been classified as Pathogenic.

Illumina Laboratory Services, Illumina
Classification: Likely pathogenic for Xeroderma pigmentosum variant type. Last evaluated: 2017-09-18. Review status: criteria provided, single submitter. Criteria: ICSL Variant Classification Criteria 09 May 2019. Collection method: clinical testing. Allele origin: germline.
Comment: The POLH c.149dupT (p.Ser51GlufsTer3) variant results in a frameshift and is predicted to result in premature termination of the protein, and has been reported in two Caucasian individuals with xeroderma pigmentosum (XP) (Inui et al. 2008; Fassihi et al. 2016). Control data are unavailable for this variant, which is reported at a frequency of 0.000046 in the European (non-Finnish) population of the Exome Aggregation Consortium. IP-Western blotting of whole-cell extracts from the compound heterozygous patient's fibroblasts revealed only trace levels of polÎ· protein (Inui et al. 2008). Fibroblasts from both individuals did not display reduced levels of post-UV nucleotide excision repair, consistent with the variant form of XP (Inui et al. 2008; Fassihi et al. 2016). Based on the evidence and the potential impact of frameshift variants, the p.Ser51GlufsTer3 variant is classified as likely pathogenic for xeroderma pigmentosum. This variant was observed by ICSL as part of a predisposition screen in an ostensibly healthy population.

Literature cited by the submitters: PubMed 11773631 (cited by Labcorp Genetics (formerly Invitae), Labcorp); PubMed 24130121 (cited by Labcorp Genetics (formerly Invitae), Labcorp); PubMed 25256075 (cited by Labcorp Genetics (formerly Invitae), Labcorp); PubMed 18368133 (cited by Labcorp Genetics (formerly Invitae), Labcorp and Illumina Laboratory Services, Illumina); PubMed 26884178 (cited by Illumina Laboratory Services, Illumina).

NM_006502.3(POLH):c.149dup (p.Ser51fs)

Gene: POLH (DNA polymerase eta; plus strand). Cytogenetic location: 6p21.1.
Variant type: Duplication.
Coding change: c.149dup on transcript NM_006502.3 (MANE Select); coding-DNA position 149, one base duplicated (T; older notation c.149dupT).
Protein change: p.Ser51fs; shifts the reading frame from serine 51.
Molecular consequence: frameshift variant. On other transcripts: 5 prime UTR variant (1).
Genome position (GRCh38, 1-based): chr6:43,583,018, T duplicated. VCF-style (leftmost placement, unchanged base first): chr6-43583017-G-GT. GRCh37 (hg19) VCF-style: chr6-43550754-G-GT.
Other names: c.149dupT (NM_006502.2); c.-6dup (NM_001291969.2); c.149dup, p.Ser51fs (NM_001291970.2); short protein forms S51fs.
Identifiers: ClinVar variation 631984 (VCV000631984.9), dbSNP rs752080248, ClinGen allele CA3826897.
Genomic context (GRCh38, chr6:43,583,017, plus strand): 5'-GCTTGTGATCATATAATATGTTTTCTGTTTCCTTTTTTTTCTAACCTTAGAATAATTGCA[G>GT]TGAGTTATGAAGCTCGTGCATTTGGAGTCACTAGAAGTATGTGGGCAGATGATGCTAAGA-3'